The following is an entry in ClinVar:

NM_001009944.3(PKD1):c.7280C>G (p.Ala2427Gly)

Gene: PKD1 (polycystin 1, transient receptor potential channel interacting; minus strand). Cytogenetic location: 16p13.3.
Variant type: single nucleotide variant.
Coding change: c.7280C>G on transcript NM_001009944.3 (MANE Select); coding-DNA position 7280, C replaced by G.
Protein change: p.Ala2427Gly; replaces alanine 2427 with glycine.
Molecular consequence: missense variant.
Genome position (GRCh38, 1-based): chr16:2,106,607, G>C on the plus strand (C>G on the coding strand, the complement: PKD1 is on the minus strand). VCF-style: chr16-2106607-G-C. GRCh37 (hg19) VCF-style: chr16-2156608-G-C.
Other names: c.7280C>G, p.Ala2427Gly (NM_000296.4); short protein forms A2427G.
Identifiers: ClinVar variation 1699735 (VCV001699735.3), dbSNP rs140494005, ClinGen allele CA7831195.
Genomic context (GRCh38, chr16:2,106,607, plus strand): 5'-GTGAAGGTGTATCCCTCGCCGTCCCGCAGCACGCCCCGCCGCAGCACCAGTCGCATGCCT[G>C]CACTGCCCGTGGATGTGGTGGTCTCATCCAGCACCAGCGTCTTGTTGCTGAACGTACGTG-3'
Protein context (NP_001009944.3, residues 2417-2437): LDETTTSTGS[Ala2427Gly]GMRLVLRRGV

ClinVar aggregate classification (germline): Uncertain significance. Review status: criteria provided, multiple submitters, no conflicts (2 of 4 stars). 2 submissions from 2 submitters: Uncertain significance (2). Last evaluated 2026-06-09.

Conditions:
PKD1-related disorder. Also called: PKD1-related condition.

Allele frequency attached by ClinVar (database versions not stated): 1000 Genomes Project 0.00060; 1000 Genomes Project 30x 0.00062.
gnomAD v4.1: 37 of 1,598,388 alleles (0.0023%); highest among the groups gnomAD compares: African/African-American, 0.037%; no homozygotes.

Submissions (2):

PreventionGenetics, part of Exact Sciences
Classification: Uncertain significance for PKD1-related condition. Last evaluated: 2026-06-09. Review status: criteria provided, single submitter. Criteria: ACMG Guidelines, 2015. Collection method: clinical testing. Allele origin: germline.
Comment: The PKD1 c.7280C>G variant is predicted to result in the amino acid substitution p.Ala2427Gly. To our knowledge, this variant has not been reported in the literature. This variant is reported in 0.054% of alleles in individuals of African descent in gnomAD. Although we suspect that this variant may be benign, at this time, the clinical significance of this variant is uncertain due to the absence of conclusive functional and genetic evidence.

GeneDx
Classification: Uncertain significance. Last evaluated: 2022-01-27. Review status: criteria provided, single submitter. Criteria: GeneDx Variant Classification Process June 2021. Collection method: clinical testing. Allele origin: germline. Affected: yes.
Comment: In silico analysis supports that this missense variant does not alter protein structure/function; Has not been previously published as pathogenic or benign to our knowledge